The following is an entry in ClinVar:

NM_000051.4(ATM):c.4800_4803del (p.Ser1601fs)

Gene: ATM (ATM serine/threonine kinase; plus strand). Cytogenetic location: 11q22.3.
Variant type: Deletion.
Coding change: c.4800_4803del on transcript NM_000051.4 (MANE Select); coding-DNA positions 4800 to 4803, 4 bases deleted (AAGT; older notation c.4800_4803delAAGT).
Protein change: p.Ser1601fs; shifts the reading frame from serine 1601.
Molecular consequence: frameshift variant.
Genome position (GRCh38, 1-based): chr11:108,294,950-108,294,953, AAGT deleted; deleting any 4 consecutive bases within chr11:108,294,947-108,294,953 gives the same sequence; the c. name uses the placement nearest the transcript's 3' end. VCF-style (leftmost placement, unchanged base first): chr11-108294946-CAGTA-C. GRCh37 (hg19) VCF-style: chr11-108165673-CAGTA-C.
Other names: c.4800_4803delAAGT (NM_000051.3); c.4800_4803del, p.Ser1601fs (NM_001351834.2); short protein forms S1601fs.
Identifiers: ClinVar variation 407656 (VCV000407656.13), dbSNP rs1060501659, ClinGen allele CA16613061.

ClinVar aggregate classification (germline): Pathogenic. Review status: criteria provided, multiple submitters, no conflicts (2 of 4 stars). 3 submissions from 3 submitters: Pathogenic (3). Last evaluated 2025-10-09.

Conditions:
Familial cancer of breast. Also called: Hereditary breast cancer; hereditary breast carcinoma; BREAST CANCER, FAMILIAL. Identifiers: Orphanet 227535, MedGen C0346153, MONDO:0016419, OMIM 114480. Disease mechanism: loss of function.
Hereditary cancer-predisposing syndrome. Also called: Hereditary neoplastic syndrome; Neoplastic Syndromes, Hereditary; Tumor predisposition; Hereditary Cancer Syndrome. Identifiers: Orphanet 140162, MedGen C0027672, MeSH D009386, MONDO:0015356.
Ataxia-telangiectasia syndrome (AT). Also called: Ataxia telangiectasia (A-T); LOUIS-BAR SYNDROME; Cerebello-oculocutaneous telangiectasia; Immunodeficiency with ataxia telangiectasia; Ataxia-telangiectasia, complementation group D; AT, COMPLEMENTATION GROUP C. Identifiers: Orphanet 100, MedGen C0004135, MONDO:0008840, OMIM 208900.

Submissions (3):

Labcorp Genetics (formerly Invitae), Labcorp
Classification: Pathogenic for Ataxia-telangiectasia syndrome. Last evaluated: 2025-10-09. Review status: criteria provided, single submitter. Criteria: Invitae Variant Classification Sherloc (09022015). Collection method: clinical testing. Allele origin: germline.
Comment: This sequence change creates a premature translational stop signal (p.Ser1601Phefs*7) in the ATM gene. It is expected to result in an absent or disrupted protein product. Loss-of-function variants in ATM are known to be pathogenic (PMID: 23807571, 25614872). This variant is not present in population databases (gnomAD no frequency). This variant has not been reported in the literature in individuals affected with ATM-related conditions. ClinVar contains an entry for this variant (Variation ID: 407656). For these reasons, this variant has been classified as Pathogenic.

Ambry Genetics
Classification: Pathogenic for Hereditary cancer-predisposing syndrome. Last evaluated: 2025-02-19. Review status: criteria provided, single submitter. Criteria: Ambry Variant Classification Scheme 2023. Collection method: clinical testing. Allele origin: germline.
Comment: The c.4800_4803delAAGT pathogenic mutation, located in coding exon 31 of the ATM gene, results from a deletion of 4 nucleotides at nucleotide positions 4800 to 4803, causing a translational frameshift with a predicted alternate stop codon (p.S1601Ffs*7). This variant is considered to be rare based on population cohorts in the Genome Aggregation Database (gnomAD). This alteration is expected to result in loss of function by premature protein truncation or nonsense-mediated mRNA decay. As such, this alteration is interpreted as a disease-causing mutation.

Myriad Genetics, Inc.
Classification: Pathogenic for Familial cancer of breast. Last evaluated: 2024-01-24. Review status: criteria provided, single submitter. Criteria: Myriad Autosomal Dominant, Autosomal Recessive and X-Linked Classification Criteria (2023). Collection method: clinical testing. Allele origin: unknown.
Comment: This variant is considered pathogenic. This variant creates a frameshift predicted to result in premature protein truncation.

Literature cited by the submitters: PubMed 23807571 (cited by Labcorp Genetics (formerly Invitae), Labcorp); PubMed 25614872 (cited by Labcorp Genetics (formerly Invitae), Labcorp).